The following is an entry in ClinVar:

ClinVar aggregate classification (germline): Likely pathogenic (1 of 4 stars; one submission).

Conditions:
Tyrosinemia type I (TYRSN1). Also called: FAH DEFICIENCY; Tyrosinemia type 1; Fumarylacetoacetase deficiency; HEPATORENAL TYROSINEMIA; Deficiency of fumarylacetoacetase. Identifiers: Orphanet 882, MedGen C0268490, MONDO:0010161, OMIM 276700. Disease mechanism: loss of function.

Submission:

Labcorp Genetics (formerly Invitae), Labcorp
Classification: Likely pathogenic for Tyrosinemia type I. Last evaluated: 2023-03-20. Review status: criteria provided, single submitter. Criteria: Invitae Variant Classification Sherloc (09022015). Collection method: clinical testing. Allele origin: germline.
Comment: This variant results in the deletion of part of exon 7 (c.566_606+62del) of the FAH gene. It is expected to disrupt RNA splicing. Variants that disrupt the donor or acceptor splice site typically lead to a loss of protein function (PMID: 16199547), and loss-of-function variants in FAH are known to be pathogenic (PMID: 9101289, 9633815). This variant has not been reported in the literature in individuals affected with FAH-related conditions. In summary, the currently available evidence indicates that the variant is pathogenic, but additional data are needed to prove that conclusively. Therefore, this variant has been classified as Likely Pathogenic.

Literature cited by the submitters: PubMed 16199547; PubMed 9101289; PubMed 9633815.

NM_000137.4(FAH):c.566_606+62del

Gene: FAH (fumarylacetoacetate hydrolase; plus strand). Cytogenetic location: 15q25.1.
Variant type: Deletion.
Coding change: c.566_606+62del on transcript NM_000137.4 (MANE Select); coding-DNA position 566 through 62 bases into the intron after coding-DNA position 606, 103 bases deleted.
Molecular consequence: splice donor variant.
Genome position (GRCh38, 1-based): chr15:80,168,276-80,168,378, 103 bases deleted. GRCh37 (hg19): chr15:80,460,618-80,460,720.
Other names: c.566_606+62del (NM_001374377.1, NM_001374380.1).
Identifiers: ClinVar variation 2848000 (VCV002848000.3), dbSNP rs2505850594, ClinGen allele CA2739269605.